The following is an entry in ClinVar:

ClinVar aggregate classification (germline): Pathogenic (1 of 4 stars; one submission).

Conditions:
Charcot-Marie-Tooth disease type 2. Also called: Charcot-Marie-Tooth type 2. Identifiers: Orphanet 64746, MedGen C0270914, MONDO:0018993.

Submission:

Labcorp Genetics (formerly Invitae), Labcorp
Classification: Pathogenic for Charcot-Marie-Tooth disease type 2. Last evaluated: 2022-05-08. Review status: criteria provided, single submitter. Criteria: Invitae Variant Classification Sherloc (09022015). Collection method: clinical testing. Allele origin: germline.
Comment: For these reasons, this variant has been classified as Pathogenic. This variant has not been reported in the literature in individuals affected with LMNA-related conditions. This variant is not present in population databases (gnomAD no frequency). This sequence change creates a premature translational stop signal (p.Glu84*) in the LMNA gene. It is expected to result in an absent or disrupted protein product. Loss-of-function variants in LMNA are known to be pathogenic (PMID: 18585512, 18926329).

Literature cited by the submitters: PubMed 18585512; PubMed 18926329.

NM_170707.4(LMNA):c.250G>T (p.Glu84Ter)

Gene: LMNA (lamin A/C; plus strand). Cytogenetic location: 1q22.
Variant type: single nucleotide variant.
Coding change: c.250G>T on transcript NM_170707.4 (MANE Select); coding-DNA position 250, G replaced by T.
Protein change: p.Glu84Ter; replaces glutamic acid 84 with a stop codon.
Molecular consequence: nonsense.
Genome position (GRCh38, 1-based): chr1:156,115,168, G>T. VCF-style: chr1-156115168-G-T. GRCh37 (hg19) VCF-style: chr1-156084959-G-T.
Other names: c.250G>T, p.Glu84Ter (NM_001282625.2, NM_001282626.2, NM_001406983.1 and 6 more transcripts); c.-174G>T (NM_001406986.1); c.-152G>T (NM_001406990.1, NM_001406995.1, NM_001407002.1); c.-415G>T (NM_001406994.1, NM_001407000.1); c.-595G>T (NM_001406999.1); c.-258G>T (NM_001407001.1); short protein forms E84*.
Identifiers: ClinVar variation 2135518 (VCV002135518.4), dbSNP rs794728602, ClinGen allele CA342808449.